The following is an entry in ClinVar:

NM_000264.5(PTCH1):c.3360G>A (p.Glu1120=)

Gene: PTCH1 (patched 1; minus strand). Cytogenetic location: 9q22.32.
Variant type: single nucleotide variant.
Coding change: c.3360G>A on transcript NM_000264.5 (MANE Select); coding-DNA position 3360, G replaced by A.
Protein change: p.Glu1120=; no amino-acid change (glutamic acid 1120 retained).
Molecular consequence: synonymous variant. On other transcripts: non-coding transcript variant (1).
Genome position (GRCh38, 1-based): chr9:95,453,567, C>T on the plus strand (G>A on the coding strand, the complement: PTCH1 is on the minus strand). VCF-style: chr9-95453567-C-T. GRCh37 (hg19) VCF-style: chr9-98215849-C-T.
Other names: c.3162G>A, p.Glu1054= (NM_001083602.3); c.3357G>A, p.Glu1119= (NM_001083603.3); c.2907G>A, p.Glu969= (NM_001083604.3, NM_001083605.3, NM_001083606.3 and 1 more transcripts); c.3204G>A, p.Glu1068= (NM_001354918.2).
Identifiers: ClinVar variation 486178 (VCV000486178.18), dbSNP rs1554690458, ClinGen allele CA466107952.

ClinVar aggregate classification (germline): Likely benign. Review status: criteria provided, multiple submitters, no conflicts (2 of 4 stars). 3 submissions from 3 submitters: Likely benign (3). Last evaluated 2026-02-01.

Conditions:
Gorlin syndrome. Also called: Nevoid Basal Cell Carcinoma Syndrome; Basal cell nevus syndrome. Identifiers: Orphanet 377, MedGen C0004779, MONDO:0007187.
Hereditary cancer-predisposing syndrome. Also called: Hereditary neoplastic syndrome; Neoplastic Syndromes, Hereditary; Hereditary Cancer Syndrome; Tumor predisposition. Identifiers: Orphanet 140162, MedGen C0027672, MeSH D009386, MONDO:0015356.

Allele frequency attached by ClinVar (database versions not stated): gnomAD exomes below 0.00001.
gnomAD v4.1: 4 of 1,614,116 alleles (0.00025%); highest among the groups gnomAD compares: South Asian, 0.0011%; no homozygotes.

Submissions (3):

CeGaT Center for Human Genetics Tuebingen
Classification: Likely benign. Last evaluated: 2026-02-01. Review status: criteria provided, single submitter. Criteria: CeGaT Center For Human Genetics Tuebingen Variant Classification Criteria Version 2. Collection method: clinical testing. Allele origin: germline. Affected: yes. Observed: 1 variant allele.
Comment: PTCH1: BP4, BP7

Labcorp Genetics (formerly Invitae), Labcorp
Classification: Likely benign for Gorlin syndrome. Last evaluated: 2025-10-23. Review status: criteria provided, single submitter. Criteria: Invitae Variant Classification Sherloc (09022015). Collection method: clinical testing. Allele origin: germline.

Ambry Genetics
Classification: Likely benign for Hereditary cancer-predisposing syndrome. Last evaluated: 2017-02-15. Review status: criteria provided, single submitter. Criteria: Ambry Variant Classification Scheme 2023. Collection method: clinical testing. Allele origin: germline.